The following is an entry in ClinVar:

NM_012434.5(SLC17A5):c.1119T>G (p.Ile373Met)

Gene: SLC17A5 (solute carrier family 17 member 5; minus strand). Cytogenetic location: 6q13.
Variant type: single nucleotide variant.
Coding change: c.1119T>G on transcript NM_012434.5 (MANE Select); coding-DNA position 1119, T replaced by G.
Protein change: p.Ile373Met; replaces isoleucine 373 with methionine.
Molecular consequence: missense variant.
Genome position (GRCh38, 1-based): chr6:73,610,540, A>C on the plus strand (T>G on the coding strand, the complement: SLC17A5 is on the minus strand). VCF-style: chr6-73610540-A-C. GRCh37 (hg19) VCF-style: chr6-74320263-A-C.
Other names: c.1032T>G, p.Ile344Met (NM_001382632.1); c.1119T>G, p.Ile373Met (NM_001382633.1, NM_001382630.1); c.960T>G, p.Ile320Met (NM_001382634.1); c.1116T>G, p.Ile372Met (NM_001382635.1); c.801T>G, p.Ile267Met (NM_001382636.1); c.888T>G, p.Ile296Met (NM_001382629.1); c.1140T>G, p.Ile380Met (NM_001382631.1); short protein forms I344M, I373M, I296M, I320M, I372M, I267M, I380M.
Identifiers: ClinVar variation 3442863 (VCV003442863.3).

ClinVar aggregate classification (germline): Uncertain significance. Review status: criteria provided, multiple submitters, no conflicts (2 of 4 stars). 2 submissions from 2 submitters: Uncertain significance (2). Last evaluated 2024-12-28.

Conditions:
Inborn genetic diseases. Identifiers: MedGen C0950123, MeSH D030342.
Sialic acid storage disease, severe infantile type (ISSD). Also called: INFANTILE SIALIC ACID STORAGE DISORDER; N-ACETYLNEURAMINIC ACID STORAGE DISEASE; NANA STORAGE DISEASE; SIALURIA, INFANTILE FORM; Infantile Sialic Acid Storage Disease; Free sialic acid storage disease, infantile form. Identifiers: Orphanet 309324, Orphanet 834, MedGen C1096902, MONDO:0010027, OMIM 269920.
Salla disease (SD). Also called: Less Severe FSASD (Salla Disease); Sialuria, Finnish type; N-acetylneuraminic acid (NANA) storage disease (NSD); Infantile sialic acid storage disorder (ISSD). Identifiers: Orphanet 309334, Orphanet 834, MedGen C1096903, MONDO:0011449, OMIM 604369.

gnomAD v4.1: 15 of 1,614,032 alleles (0.00093%); highest among the groups gnomAD compares: African/African-American, 0.017%; no homozygotes.

Submissions (2):

Ambry Genetics
Classification: Uncertain significance for Inborn genetic diseases. Last evaluated: 2024-12-28. Review status: criteria provided, single submitter. Criteria: Ambry Variant Classification Scheme 2023. Collection method: clinical testing. Allele origin: germline.
Comment: The p.I373M variant (also known as c.1119T>G), located in coding exon 9 of the SLC17A5 gene, results from a T to G substitution at nucleotide position 1119. The isoleucine at codon 373 is replaced by methionine, an amino acid with highly similar properties. This amino acid position is conserved. In addition, this alteration is predicted to be tolerated by in silico analysis. Based on the available evidence, the clinical significance of this variant remains unclear.

Fulgent Genetics
Classification: Uncertain significance for Sialic acid storage disease, severe infantile type; Salla disease. Last evaluated: 2024-05-10. Review status: criteria provided, single submitter. Criteria: ACMG Guidelines, 2015. Collection method: clinical testing. Allele origin: germline.